The following is an entry in ClinVar:

NM_004360.5(CDH1):c.878T>G (p.Val293Gly)

Gene: CDH1 (cadherin 1; plus strand). Cytogenetic location: 16q22.1.
Variant type: single nucleotide variant.
Coding change: c.878T>G on transcript NM_004360.5 (MANE Select); coding-DNA position 878, T replaced by G.
Protein change: p.Val293Gly; replaces valine 293 with glycine.
Molecular consequence: missense variant. On other transcripts: 5 prime UTR variant (2).
Genome position (GRCh38, 1-based): chr16:68,811,729, T>G. VCF-style: chr16-68811729-T-G. GRCh37 (hg19) VCF-style: chr16-68845632-T-G.
Other names: c.878T>G, p.Val293Gly (NM_001317184.2); c.-738T>G (NM_001317185.2); c.-942T>G (NM_001317186.2); short protein forms V293G.
Identifiers: ClinVar variation 1482730 (VCV001482730.9), dbSNP rs876659186, ClinGen allele CA396459633.
Genomic context (GRCh38, chr16:68,811,729, plus strand): 5'-CTTGAACTCTTCCAGGAACCTCTGTGATGGAGGTCACAGCCACAGACGCGGACGATGATG[T>G]GAACACCTACAATGCCGCCATCGCTTACACCATCCTCAGCCAAGATCCTGAGCTCCCTGA-3'
Protein context (NP_004351.1, residues 283-303): EVTATDADDD[Val293Gly]NTYNAAIAYT

ClinVar aggregate classification (germline): Uncertain significance. Review status: criteria provided, multiple submitters, no conflicts (2 of 4 stars). 3 submissions from 3 submitters: Uncertain significance (3). Last evaluated 2023-09-19.

Conditions:
Hereditary cancer-predisposing syndrome. Also called: Hereditary neoplastic syndrome; Tumor predisposition; Neoplastic Syndromes, Hereditary; Hereditary Cancer Syndrome. Identifiers: Orphanet 140162, MedGen C0027672, MeSH D009386, MONDO:0015356.
Hereditary diffuse gastric adenocarcinoma (HDGC). Also called: DIFFUSE GASTRIC AND LOBULAR BREAST CANCER SYNDROME. Identifiers: Orphanet 26106, MedGen C1708349, MONDO:0007648, OMIM 137215.

Allele frequency attached by ClinVar (database versions not stated): gnomAD exomes below 0.00001; TOPMed below 0.00001.
gnomAD v4.1: 1 of 1,614,086 alleles (0.000062%); highest among the groups gnomAD compares: Non-Finnish European, 0.000085%; no homozygotes.

Submissions (3):

Ambry Genetics
Classification: Uncertain significance for Hereditary cancer-predisposing syndrome. Last evaluated: 2023-09-19. Review status: criteria provided, single submitter. Criteria: Ambry Variant Classification Scheme 2023. Collection method: clinical testing. Allele origin: germline.
Comment: The p.V293G variant (also known as c.878T>G), located in coding exon 7 of the CDH1 gene, results from a T to G substitution at nucleotide position 878. The valine at codon 293 is replaced by glycine, an amino acid with dissimilar properties. This amino acid position is not well conserved in available vertebrate species. In addition, this alteration is predicted to be tolerated by in silico analysis. Since supporting evidence is limited at this time, the clinical significance of this alteration remains unclear.

Labcorp Genetics (formerly Invitae), Labcorp
Classification: Uncertain significance for Hereditary diffuse gastric adenocarcinoma. Last evaluated: 2023-08-17. Review status: criteria provided, single submitter. Criteria: Invitae Variant Classification Sherloc (09022015). Collection method: clinical testing. Allele origin: germline.
Comment: This variant is not present in population databases (gnomAD no frequency). In summary, the available evidence is currently insufficient to determine the role of this variant in disease. Therefore, it has been classified as a Variant of Uncertain Significance. An algorithm developed to predict the effect of missense changes on protein structure and function (PolyPhen-2) suggests that this variant is likely to be disruptive. ClinVar contains an entry for this variant (Variation ID: 1482730). This variant has not been reported in the literature in individuals affected with CDH1-related conditions. This sequence change replaces valine, which is neutral and non-polar, with glycine, which is neutral and non-polar, at codon 293 of the CDH1 protein (p.Val293Gly).

Human Genetics Bochum, Ruhr University Bochum
Classification: Uncertain significance for Hereditary diffuse gastric adenocarcinoma. Last evaluated: 2022-02-14. Review status: criteria provided, single submitter. Criteria: ACMG Guidelines, 2015. Collection method: clinical testing. Allele origin: germline. Affected: yes.
Comment: ACMG criteria used to clasify this variant: PM2, BP4